The following is an entry in ClinVar:

ClinVar aggregate classification (germline): Uncertain significance. Review status: criteria provided, multiple submitters, no conflicts (2 of 4 stars). 2 submissions from 2 submitters: Uncertain significance (2). Last evaluated 2024-12-26.

Conditions:
Charcot-Marie-Tooth Neuropathy X. Identifiers: MedGen CN118851.
Inborn genetic diseases. Identifiers: MedGen C0950123, MeSH D030342.

Allele frequency attached by ClinVar (database versions not stated): gnomAD 0.00001; gnomAD exomes 0.00001; TOPMed 0.00001.

Submissions (2):

Ambry Genetics
Classification: Uncertain significance for Inborn genetic diseases. Last evaluated: 2024-12-26. Review status: criteria provided, single submitter. Criteria: Ambry Variant Classification Scheme 2023. Collection method: clinical testing. Allele origin: germline.

Labcorp Genetics (formerly Invitae), Labcorp
Classification: Uncertain significance for Charcot-Marie-Tooth Neuropathy X. Last evaluated: 2024-06-22. Review status: criteria provided, single submitter. Criteria: Invitae Variant Classification Sherloc (09022015). Collection method: clinical testing. Allele origin: germline.
Comment: This sequence change replaces aspartic acid, which is acidic and polar, with asparagine, which is neutral and polar, at codon 278 of the GJB1 protein (p.Asp278Asn). The frequency data for this variant in the population databases is considered unreliable, as metrics indicate poor data quality at this position in the gnomAD database. This variant has not been reported in the literature in individuals affected with GJB1-related conditions. ClinVar contains an entry for this variant (Variation ID: 1368750). An algorithm developed to predict the effect of missense changes on protein structure and function (PolyPhen-2) suggests that this variant is likely to be disruptive. In summary, the available evidence is currently insufficient to determine the role of this variant in disease. Therefore, it has been classified as a Variant of Uncertain Significance.

NM_000166.6(GJB1):c.832G>A (p.Asp278Asn)

Gene: GJB1 (gap junction protein beta 1; plus strand). Cytogenetic location: Xq13.1.
Variant type: single nucleotide variant.
Coding change: c.832G>A on transcript NM_000166.6 (MANE Select); coding-DNA position 832, G replaced by A.
Protein change: p.Asp278Asn; replaces aspartic acid 278 with asparagine.
Molecular consequence: missense variant.
Genome position (GRCh38, 1-based): chrX:71,224,539, G>A. VCF-style: chrX-71224539-G-A. GRCh37 (hg19) VCF-style: chrX-70444389-G-A.
Other names: c.832G>A, p.Asp278Asn (NM_001097642.3); c.832G>A (NM_000166.5); short protein forms D278N.
Identifiers: ClinVar variation 1368750 (VCV001368750.8), dbSNP rs1192074631, ClinGen allele CA413504407.